The following is an entry in ClinVar:

ClinVar aggregate classification (germline): Uncertain significance (1 of 4 stars; one submission).

Conditions:
Malignant hyperthermia, susceptibility to, 1 (MHS1). Also called: Anesthesia related hyperthermia; Malignant hyperpyrexia; Fulminating hyperpyrexia; Pharmacogenic myopathy; RYR1-Related Malignant Hyperthermia Susceptibility; Malignant hyperthermia suceptibility 1. Identifiers: Orphanet 423, MedGen C2930980, MONDO:0007783, OMIM 145600.

Allele frequency attached by ClinVar (database versions not stated): gnomAD exomes below 0.00001; TOPMed below 0.00001; gnomAD 0.00003.
gnomAD v4.1: 6 of 1,609,678 alleles (0.00037%); highest among the groups gnomAD compares: African/African-American, 0.0054%; no homozygotes.

Submission:

All of Us Research Program, National Institutes of Health
Classification: Uncertain significance for Malignant hyperthermia, susceptibility to, 1. Last evaluated: 2023-12-13. Review status: criteria provided, single submitter. Criteria: ACMG Guidelines, 2015. Collection method: clinical testing. Allele origin: germline. Inheritance: Autosomal dominant inheritance. Observed: 3 variant alleles, 3 heterozygotes.
Comment: This variant causes a G to A nucleotide substitution at the +6 position of intron 3 of the RYR1 gene. To our knowledge, functional studies have not been reported for this variant. This variant has not been reported in individuals affected with RYR1-related disorders in the literature. This variant has been identified in 1/31220 chromosomes in the general population by the Genome Aggregation Database (gnomAD). The available evidence is insufficient to determine the role of this variant in disease conclusively. Therefore, this variant is classified as a Variant of Uncertain Significance.

This study involves interpretation of variants in research participants for the purpose of population health screening. Participant phenotype was not available at the time of variant classification. Additional details can be found in publication PMID: 35346344, PMCID: PMC8962531

NM_000540.3(RYR1):c.270+6G>A

Gene: RYR1 (ryanodine receptor 1; plus strand). Cytogenetic location: 19q13.2.
Variant type: single nucleotide variant.
Coding change: c.270+6G>A on transcript NM_000540.3 (MANE Select); 6 bases into the intron after coding-DNA position 270, G replaced by A.
Molecular consequence: intron variant.
Genome position (GRCh38, 1-based): chr19:38,442,459, G>A. VCF-style: chr19-38442459-G-A. GRCh37 (hg19) VCF-style: chr19-38933099-G-A.
Other names: c.270+6G>A (NM_001042723.2).
Identifiers: ClinVar variation 3070746 (VCV003070746.1), dbSNP rs1465699727, ClinGen allele CA632870003.